The following is an entry in ClinVar:

NM_024656.4(COLGALT1):c.1659G>A (p.Pro553=)

Gene: COLGALT1 (collagen beta(1-O)galactosyltransferase 1; plus strand). Cytogenetic location: 19p13.11.
Variant type: single nucleotide variant.
Coding change: c.1659G>A on transcript NM_024656.4 (MANE Select); coding-DNA position 1659, G replaced by A.
Protein change: p.Pro553=; no amino-acid change (proline 553 retained).
Molecular consequence: synonymous variant.
Genome position (GRCh38, 1-based): chr19:17,581,234, G>A. VCF-style: chr19-17581234-G-A. GRCh37 (hg19) VCF-style: chr19-17692043-G-A.
Other names: c.1659G>A (NM_024656.3).
Identifiers: ClinVar variation 1694908 (VCV001694908.37), dbSNP rs142585342, ClinGen allele CA9297397.

ClinVar aggregate classification (germline): Benign. Review status: criteria provided, multiple submitters, no conflicts (2 of 4 stars). 3 submissions from 3 submitters: Benign (2). 1 of the submissions does not count toward it. Last evaluated 2026-09-01.

Conditions:
COLGALT1-related disorder. Also called: COLGALT1-related condition.

Allele frequency attached by ClinVar (database versions not stated): 1000 Genomes Project 30x 0.00390; ESP Exome Variant Server 0.00877; gnomAD 0.00912 and 0.00949; 1000 Genomes Project 0.00379.
gnomAD v4.1: 19,732 of 1,609,504 alleles (1.2%); highest among the groups gnomAD compares: Non-Finnish European, 1.5%; 160 homozygotes.

Submissions (3):

CeGaT Center for Human Genetics Tuebingen
Classification: Benign. Last evaluated: 2026-09-01. Review status: criteria provided, single submitter. Criteria: CeGaT Center For Human Genetics Tuebingen Variant Classification Criteria Version 2. Collection method: clinical testing. Allele origin: germline. Affected: yes. Observed: 15 variant alleles.
Comment: COLGALT1: BP4, BP7, BS1, BS2

Labcorp Genetics (formerly Invitae), Labcorp
Classification: Benign. Last evaluated: 2026-01-25. Review status: criteria provided, single submitter. Criteria: Invitae Variant Classification Sherloc (09022015). Collection method: clinical testing. Allele origin: germline.

PreventionGenetics, part of Exact Sciences
Classification: Benign for COLGALT1-related condition. Last evaluated: 2019-06-11. Review status: no assertion criteria provided. Collection method: clinical testing. Allele origin: germline. Not counted in ClinVar's aggregate classification.
Comment: This variant is classified as benign based on ACMG/AMP sequence variant interpretation guidelines (Richards et al. 2015 PMID: 25741868, with internal and published modifications).